The following is an entry in ClinVar:

NM_001366385.1(CARD14):c.2206C>A (p.Pro736Thr)

Genes: SGSH (N-sulfoglucosamine sulfohydrolase; minus strand), CARD14 (caspase recruitment domain family member 14; plus strand). Cytogenetic location: 17q25.3.
Variant type: single nucleotide variant.
Coding change: c.2206C>A on transcript NM_001366385.1 (MANE Select); coding-DNA position 2206, C replaced by A.
Protein change: p.Pro736Thr; replaces proline 736 with threonine.
Molecular consequence: missense variant. On other transcripts: non-coding transcript variant (1).
Genome position (GRCh38, 1-based): chr17:80,202,407, C>A. VCF-style: chr17-80202407-C-A. GRCh37 (hg19) VCF-style: chr17-78176206-C-A.
Other names: c.2206C>A, p.Pro736Thr (NM_001257970.1, NM_024110.4); short protein forms P736T.
Identifiers: ClinVar variation 4792272 (VCV004792272.1).
Genomic context (GRCh38, chr17:80,202,407, plus strand): 5'-TGGCATGCCCACCGCGTGAACTCTTACACCATGAAGGATACTGCCGCGCACGGCACCATC[C>A]CCAACTACTCCAGGTGAGCAGCTGCCTCGAGCTCGGTGCGTCCCCAGAGAGGCCCACAGG-3'
Protein context (NP_001353314.1, residues 726-746): MKDTAAHGTI[Pro736Thr]NYSRAQQQLI

ClinVar aggregate classification (germline): Uncertain significance (1 of 4 stars; one submission).

Conditions:
Pityriasis rubra pilaris (PRP). Also called: Pityriasis rubra pilaris--familial type. Identifiers: Orphanet 2897, MedGen C0032027, MONDO:0100017, OMIM 173200, MONDO:0008251.
Psoriasis 2. Identifiers: MedGen C1864497, MONDO:0011269, OMIM 602723.

gnomAD v4.1: 15 of 1,611,826 alleles (0.00093%); highest among the groups gnomAD compares: East Asian, 0.031%; no homozygotes.

Submission:

Labcorp Genetics (formerly Invitae), Labcorp
Classification: Uncertain significance for Pityriasis rubra pilaris; Psoriasis 2. Last evaluated: 2025-05-12. Review status: criteria provided, single submitter. Criteria: Invitae Variant Classification Sherloc (09022015). Collection method: clinical testing. Allele origin: germline.
Comment: This sequence change replaces proline, which is neutral and non-polar, with threonine, which is neutral and polar, at codon 736 of the CARD14 protein (p.Pro736Thr). This variant is present in population databases (rs769632837, gnomAD 0.02%). This variant has not been reported in the literature in individuals affected with CARD14-related conditions. Invitae Evidence Modeling of protein sequence and biophysical properties (such as structural, functional, and spatial information, amino acid conservation, physicochemical variation, residue mobility, and thermodynamic stability) has been performed for this missense variant. However, the output from this modeling did not meet the statistical confidence thresholds required to predict the impact of this variant on CARD14 protein function. In summary, the available evidence is currently insufficient to determine the role of this variant in disease. Therefore, it has been classified as a Variant of Uncertain Significance.